The following is an entry in ClinVar:

NM_004655.4(AXIN2):c.910A>G (p.Ser304Gly)

Gene: AXIN2 (axin 2; minus strand). Cytogenetic location: 17q24.1.
Variant type: single nucleotide variant.
Coding change: c.910A>G on transcript NM_004655.4 (MANE Select); coding-DNA position 910, A replaced by G.
Protein change: p.Ser304Gly; replaces serine 304 with glycine.
Molecular consequence: missense variant.
Genome position (GRCh38, 1-based): chr17:65,549,566, T>C on the plus strand (A>G on the coding strand, the complement: AXIN2 is on the minus strand). VCF-style: chr17-65549566-T-C. GRCh37 (hg19) VCF-style: chr17-63545684-T-C.
Other names: c.910A>G, p.Ser304Gly (NM_001363813.1); short protein forms S304G.
Identifiers: ClinVar variation 2065551 (VCV002065551.6), dbSNP rs2544217869, ClinGen allele CA400679514.

ClinVar aggregate classification (germline): Uncertain significance. Review status: criteria provided, multiple submitters, no conflicts (2 of 4 stars). 2 submissions from 2 submitters: Uncertain significance (2). Last evaluated 2022-11-04.

Conditions:
Hereditary cancer-predisposing syndrome. Also called: Tumor predisposition; Hereditary neoplastic syndrome; Neoplastic Syndromes, Hereditary; Hereditary Cancer Syndrome. Identifiers: Orphanet 140162, MedGen C0027672, MeSH D009386, MONDO:0015356.
Oligodontia-cancer predisposition syndrome. Also called: TOOTH AGENESIS-COLORECTAL CANCER SYNDROME. Identifiers: Orphanet 300576, MedGen C1837750, MONDO:0012075, OMIM 608615. Disease mechanism: loss of function.

Submissions (2):

Ambry Genetics
Classification: Uncertain significance for Hereditary cancer-predisposing syndrome. Last evaluated: 2022-11-04. Review status: criteria provided, single submitter. Criteria: Ambry Variant Classification Scheme 2023. Collection method: clinical testing. Allele origin: germline.
Comment: The p.S304G variant (also known as c.910A>G), located in coding exon 2 of the AXIN2 gene, results from an A to G substitution at nucleotide position 910. The serine at codon 304 is replaced by glycine, an amino acid with similar properties. This amino acid position is conserved. In addition, the in silico prediction for this alteration is inconclusive. Since supporting evidence is limited at this time, the clinical significance of this alteration remains unclear.

Labcorp Genetics (formerly Invitae), Labcorp
Classification: Uncertain significance for Oligodontia-cancer predisposition syndrome. Last evaluated: 2021-12-29. Review status: criteria provided, single submitter. Criteria: Invitae Variant Classification Sherloc (09022015). Collection method: clinical testing. Allele origin: germline.
Comment: Algorithms developed to predict the effect of missense changes on protein structure and function (SIFT, PolyPhen-2, Align-GVGD) all suggest that this variant is likely to be disruptive. This variant has not been reported in the literature in individuals affected with AXIN2-related conditions. This variant is not present in population databases (gnomAD no frequency). This sequence change replaces serine, which is neutral and polar, with glycine, which is neutral and non-polar, at codon 304 of the AXIN2 protein (p.Ser304Gly). In summary, the available evidence is currently insufficient to determine the role of this variant in disease. Therefore, it has been classified as a Variant of Uncertain Significance.